The following is an entry in ClinVar:

ClinVar aggregate classification (germline): Uncertain significance (1 of 4 stars; one submission).

Conditions:
Inborn genetic diseases. Identifiers: MedGen C0950123, MeSH D030342.

Submission:

Ambry Genetics
Classification: Uncertain significance for Inborn genetic diseases. Last evaluated: 2025-11-02. Review status: criteria provided, single submitter. Criteria: Ambry Variant Classification Scheme 2023. Collection method: clinical testing. Allele origin: germline.
Comment: The p.P92L variant (also known as c.275C>T), located in coding exon 2 of the ERCC6L2 gene, results from a C to T substitution at nucleotide position 275. The proline at codon 92 is replaced by leucine, an amino acid with similar properties. This amino acid position is conserved. In addition, this alteration is predicted to be deleterious by in silico analysis. Based on the available evidence, the clinical significance of this variant remains unclear.

NM_020207.7(ERCC6L2):c.275C>T (p.Pro92Leu)

Gene: ERCC6L2 (ERCC excision repair 6 like 2; plus strand). Cytogenetic location: 9q22.32.
Variant type: single nucleotide variant.
Coding change: c.275C>T on transcript NM_020207.7 (MANE Select); coding-DNA position 275, C replaced by T.
Protein change: p.Pro92Leu; replaces proline 92 with leucine.
Molecular consequence: missense variant. On other transcripts: non-coding transcript variant (1).
Genome position (GRCh38, 1-based): chr9:95,881,097, C>T. VCF-style: chr9-95881097-C-T. GRCh37 (hg19) VCF-style: chr9-98643379-C-T.
Other names: c.275C>T, p.Pro92Leu (NM_001010895.4, NM_001375291.1, NM_001375292.1 and 2 more transcripts); short protein forms P92L.
Identifiers: ClinVar variation 4618748 (VCV004618748.1).